The following is an entry in ClinVar:

ClinVar aggregate classification (germline): Uncertain significance. Review status: criteria provided, multiple submitters, no conflicts (2 of 4 stars). 3 submissions from 3 submitters: Uncertain significance (3). Last evaluated 2025-12-02.

Conditions:
Hereditary cancer-predisposing syndrome. Also called: Hereditary neoplastic syndrome; Tumor predisposition; Neoplastic Syndromes, Hereditary; Hereditary Cancer Syndrome. Identifiers: Orphanet 140162, MedGen C0027672, MeSH D009386, MONDO:0015356.
Multiple endocrine neoplasia, type 1 (MEN1). Also called: MEN I; WERMER SYNDROME; Endocrine adenomatosis multiple; MEN 1; MEA I. Identifiers: Orphanet 652, MedGen C0025267, MeSH D018761, MONDO:0007540, OMIM 131100.

Submissions (3):

Ambry Genetics
Classification: Uncertain significance for Hereditary cancer-predisposing syndrome. Last evaluated: 2025-12-02. Review status: criteria provided, single submitter. Criteria: Ambry Variant Classification Scheme 2023. Collection method: clinical testing. Allele origin: germline.
Comment: The p.T210K variant (also known as c.629C>A), located in coding exon 2 of the MEN1 gene, results from a C to A substitution at nucleotide position 629. The threonine at codon 210 is replaced by lysine, an amino acid with similar properties. This amino acid position is conserved. In addition, this alteration is predicted to be deleterious by in silico analysis. Based on the available evidence, the clinical significance of this variant remains unclear.

All of Us Research Program, National Institutes of Health
Classification: Uncertain significance for Multiple endocrine neoplasia, type 1. Last evaluated: 2024-08-23. Review status: criteria provided, single submitter. Criteria: ACMG Guidelines, 2015. Collection method: clinical testing. Allele origin: germline. Inheritance: Autosomal dominant inheritance. Observed: 1 variant allele, 1 heterozygote.
Comment: This missense variant replaces threonine with lysine at codon 210 of the MEN1 protein. Computational prediction is inconclusive regarding the impact of this variant on protein structure and function (internally defined REVEL score threshold 0.5 < inconclusive < 0.7, PMID: 27666373). To our knowledge, functional studies have not been reported for this variant. This variant has not been reported in individuals affected with MEN1-related disorders in the literature. This variant has not been identified in the general population by the Genome Aggregation Database (gnomAD). The available evidence is insufficient to determine the role of this variant in disease conclusively. Therefore, this variant is classified as a Variant of Uncertain Significance.

This study involves interpretation of variants in research participants for the purpose of population health screening. Participant phenotype was not available at the time of variant classification. Additional details can be found in publication PMID: 35346344, PMCID: PMC8962531

Labcorp Genetics (formerly Invitae), Labcorp
Classification: Uncertain significance for Multiple endocrine neoplasia, type 1. Last evaluated: 2022-11-25. Review status: criteria provided, single submitter. Criteria: Invitae Variant Classification Sherloc (09022015). Collection method: clinical testing. Allele origin: germline.
Comment: This variant is not present in population databases (gnomAD no frequency). In summary, the available evidence is currently insufficient to determine the role of this variant in disease. Therefore, it has been classified as a Variant of Uncertain Significance. Advanced modeling of protein sequence and biophysical properties (such as structural, functional, and spatial information, amino acid conservation, physicochemical variation, residue mobility, and thermodynamic stability) performed at Invitae indicates that this missense variant is expected to disrupt MEN1 protein function. ClinVar contains an entry for this variant (Variation ID: 1480061). This variant has not been reported in the literature in individuals affected with MEN1-related conditions. This sequence change replaces threonine, which is neutral and polar, with lysine, which is basic and polar, at codon 210 of the MEN1 protein (p.Thr210Lys).

NM_001370259.2(MEN1):c.629C>A (p.Thr210Lys)

Gene: MEN1 (menin 1; minus strand). Cytogenetic location: 11q13.1.
Variant type: single nucleotide variant.
Coding change: c.629C>A on transcript NM_001370259.2 (MANE Select); coding-DNA position 629, C replaced by A.
Protein change: p.Thr210Lys; replaces threonine 210 with lysine.
Molecular consequence: missense variant. On other transcripts: intron variant (2).
Genome position (GRCh38, 1-based): chr11:64,807,916, G>T on the plus strand (C>A on the coding strand, the complement: MEN1 is on the minus strand). VCF-style: chr11-64807916-G-T. GRCh37 (hg19) VCF-style: chr11-64575388-G-T.
Other names: c.629C>A (NM_130799.2); c.644C>A, p.Thr215Lys (NM_000244.4, NM_130800.3, NM_130801.3 and 3 more transcripts); c.629C>A, p.Thr210Lys (NM_001370251.2, NM_001370260.2, NM_001370261.2 and 1 more transcripts); c.549+80C>A (NM_001370263.2, NM_001370262.2); short protein forms T210K, T215K.
Identifiers: ClinVar variation 1480061 (VCV001480061.11), dbSNP rs756287855, ClinGen allele CA381185366.
Genomic context (GRCh38, chr11:64,807,916, plus strand): 5'-ATGAAGGGGACAAGGCTGGGGGGAGGGAACAATACCCGCTCAGCCACACCGGCATTGACT[G>T]TCTGGCCCCTGCGGTCCTCGTTGCCCTTGCCGTGCCAGGTGACCTCAGCTGTCTGCTCCC-3'
Protein context (NP_001357188.2, residues 200-220): GKGNEDRRGQ[Thr210Lys]VNAGVAERSW